The following is an entry in ClinVar:

NM_182476.3(COQ6):c.288G>A (p.Thr96=)

Gene: COQ6 (coenzyme Q6, monooxygenase; plus strand). Cytogenetic location: 14q24.3.
Variant type: single nucleotide variant.
Coding change: c.288G>A on transcript NM_182476.3 (MANE Select); coding-DNA position 288, G replaced by A.
Protein change: p.Thr96=; no amino-acid change (threonine 96 retained).
Molecular consequence: synonymous variant.
Genome position (GRCh38, 1-based): chr14:73,953,559, G>A. VCF-style: chr14-73953559-G-A. GRCh37 (hg19) VCF-style: chr14-74420262-G-A.
Other names: c.213G>A, p.Thr71= (NM_182480.3).
Identifiers: ClinVar variation 1908517 (VCV001908517.9), dbSNP rs574153776, ClinGen allele CA7264099.

ClinVar aggregate classification (germline): Likely benign. Review status: criteria provided, multiple submitters, no conflicts (2 of 4 stars). 2 submissions from 2 submitters: Likely benign (2). Last evaluated 2026-01-01.

Allele frequency attached by ClinVar (database versions not stated): TOPMed 0.00001; ExAC 0.00002; gnomAD 0.00003.
gnomAD v4.1: 52 of 1,614,174 alleles (0.0032%); highest among the groups gnomAD compares: African/African-American, 0.013%; no homozygotes.

Submissions (2):

CeGaT Center for Human Genetics Tuebingen
Classification: Likely benign. Last evaluated: 2026-01-01. Review status: criteria provided, single submitter. Criteria: CeGaT Center For Human Genetics Tuebingen Variant Classification Criteria Version 2. Collection method: clinical testing. Allele origin: germline. Affected: yes. Observed: 1 variant allele.
Comment: COQ6: BP4, BP7

Labcorp Genetics (formerly Invitae), Labcorp
Classification: Likely benign. Last evaluated: 2025-06-02. Review status: criteria provided, single submitter. Criteria: Invitae Variant Classification Sherloc (09022015). Collection method: clinical testing. Allele origin: germline.